The following is an entry in ClinVar:

ClinVar aggregate classification (germline): Uncertain significance (1 of 4 stars; one submission).

Allele frequency attached by ClinVar (database versions not stated): gnomAD exomes below 0.00001.
gnomAD v4.1: 4 of 1,613,806 alleles (0.00025%); highest among the groups gnomAD compares: Non-Finnish European, 0.00034%; no homozygotes.

Submission:

Labcorp Genetics (formerly Invitae), Labcorp
Classification: Uncertain significance. Last evaluated: 2024-01-19. Review status: criteria provided, single submitter. Criteria: Invitae Variant Classification Sherloc (09022015). Collection method: clinical testing. Allele origin: germline.
Comment: This sequence change replaces valine, which is neutral and non-polar, with alanine, which is neutral and non-polar, at codon 708 of the C6 protein (p.Val708Ala). This variant is not present in population databases (gnomAD no frequency). This variant has not been reported in the literature in individuals affected with C6-related conditions. Algorithms developed to predict the effect of missense changes on protein structure and function output the following: SIFT: "Not Available"; PolyPhen-2: "Benign"; Align-GVGD: "Not Available". The alanine amino acid residue is found in multiple mammalian species, which suggests that this missense change does not adversely affect protein function. In summary, the available evidence is currently insufficient to determine the role of this variant in disease. Therefore, it has been classified as a Variant of Uncertain Significance.

NM_000065.5(C6):c.2123T>C (p.Val708Ala)

Gene: C6 (complement C6; minus strand). Cytogenetic location: 5p13.1.
Variant type: single nucleotide variant.
Coding change: c.2123T>C on transcript NM_000065.5 (MANE Select); coding-DNA position 2123, T replaced by C.
Protein change: p.Val708Ala; replaces valine 708 with alanine.
Molecular consequence: missense variant.
Genome position (GRCh38, 1-based): chr5:41,153,977, A>G on the plus strand (T>C on the coding strand, the complement: C6 is on the minus strand). VCF-style: chr5-41153977-A-G. GRCh37 (hg19) VCF-style: chr5-41154079-A-G.
Other names: c.2123T>C, p.Val708Ala (NM_001115131.4); short protein forms V708A.
Identifiers: ClinVar variation 2894481 (VCV002894481.2), dbSNP rs2478305575, ClinGen allele CA359595381.